The following is an entry in ClinVar:

ClinVar aggregate classification (germline): Uncertain significance (1 of 4 stars; one submission).

Conditions:
Progressive sclerosing poliodystrophy (MTDPS4A). Also called: Mitochondrial DNA depletion syndrome 4A (Alpers type); ALPERS PROGRESSIVE INFANTILE POLIODYSTROPHY; NEURONAL DEGENERATION OF CHILDHOOD WITH LIVER DISEASE, PROGRESSIVE; Mitochondrial DNA Depletion Syndrome 4A; Alpers-Huttenlocher Syndrome (AHS); Alpers Syndrome. Identifiers: Orphanet 726, MedGen C0205710, MONDO:0008758, OMIM 203700.

Submission:

Labcorp Genetics (formerly Invitae), Labcorp
Classification: Uncertain significance for Progressive sclerosing poliodystrophy. Last evaluated: 2021-08-22. Review status: criteria provided, single submitter. Criteria: Invitae Variant Classification Sherloc (09022015). Collection method: clinical testing. Allele origin: germline.
Comment: This variant is not present in population databases (ExAC no frequency). This variant has not been reported in the literature in individuals affected with POLG-related conditions. Algorithms developed to predict the effect of missense changes on protein structure and function are either unavailable or do not agree on the potential impact of this missense change (SIFT: "Deleterious"; PolyPhen-2: "Probably Damaging"; Align-GVGD: "Class C0"). In summary, the available evidence is currently insufficient to determine the role of this variant in disease. Therefore, it has been classified as a Variant of Uncertain Significance. This sequence change replaces proline with leucine at codon 560 of the POLG protein (p.Pro560Leu). The proline residue is highly conserved and there is a moderate physicochemical difference between proline and leucine.

NM_002693.3(POLG):c.1679C>T (p.Pro560Leu)

Gene: POLG (DNA polymerase gamma, catalytic subunit; minus strand). Cytogenetic location: 15q26.1.
Variant type: single nucleotide variant.
Coding change: c.1679C>T on transcript NM_002693.3 (MANE Select); coding-DNA position 1679, C replaced by T.
Protein change: p.Pro560Leu; replaces proline 560 with leucine.
Molecular consequence: missense variant.
Genome position (GRCh38, 1-based): chr15:89,326,645, G>A on the plus strand (C>T on the coding strand, the complement: POLG is on the minus strand). VCF-style: chr15-89326645-G-A. GRCh37 (hg19) VCF-style: chr15-89869876-G-A.
Other names: c.1679C>T, p.Pro560Leu (NM_001126131.2); short protein forms P560L.
Identifiers: ClinVar variation 1369718 (VCV001369718.6), dbSNP rs2055522032, ClinGen allele CA393760484.